The following is an entry in ClinVar:

NM_014714.4(IFT140):c.4277G>T (p.Gly1426Val)

Gene: IFT140 (intraflagellar transport 140; minus strand). Cytogenetic location: 16p13.3.
Variant type: single nucleotide variant.
Coding change: c.4277G>T on transcript NM_014714.4 (MANE Select); coding-DNA position 4277, G replaced by T.
Protein change: p.Gly1426Val; replaces glycine 1426 with valine.
Molecular consequence: missense variant.
Genome position (GRCh38, 1-based): chr16:1,511,056, C>A on the plus strand (G>T on the coding strand, the complement: IFT140 is on the minus strand). VCF-style: chr16-1511056-C-A. GRCh37 (hg19) VCF-style: chr16-1561057-C-A.
Other names: short protein forms G1426V.
Identifiers: ClinVar variation 1936706 (VCV001936706.3), dbSNP rs886051708, ClinGen allele CA276668225.
Genomic context (GRCh38, chr16:1,511,056, plus strand): 5'-TCCTCCATGCTGTTGTGGCGGACCTGCTCGGGGACGGTGCGTGGCAGTGGGAGACCCAGC[C>A]CCCGGTGCACGGCGTCCACGGCCTGCGGGCTCACGTAGTAGGACATGTTGGCCAAGGGAA-3'
Protein context (NP_055529.2, residues 1416-1436): SPQAVDAVHR[Gly1426Val]LGLPLPRTVP

ClinVar aggregate classification (germline): Uncertain significance. Review status: criteria provided, multiple submitters, no conflicts (2 of 4 stars). 2 submissions from 2 submitters: Uncertain significance (2). Last evaluated 2023-10-04.

Conditions:
Saldino-Mainzer syndrome (SRTD9). Also called: CONORENAL SYNDROME; short-rib thoracic dysplasia 9 with or without polydactyly; Renal dysplasia, retinal pigmentary dystrophy, cerebellar ataxia and skeletal dysplasia; SHORT-RIB THORACIC DYSPLASIA 9 WITHOUT POLYDACTYLY. Identifiers: Orphanet 140969, MedGen C1849437, MONDO:0009964, OMIM 266920.

gnomAD v4.1: 2 of 1,607,448 alleles (0.00012%); highest among the groups gnomAD compares: Non-Finnish European, 0.00017%; no homozygotes.

Submissions (2):

Blueprint Genetics
Classification: Uncertain significance. Last evaluated: 2023-10-04. Review status: criteria provided, single submitter. Criteria: ACMG Guidelines, 2015. Collection method: clinical testing. Allele origin: germline.

Labcorp Genetics (formerly Invitae), Labcorp
Classification: Uncertain significance for Saldino-Mainzer syndrome. Last evaluated: 2021-12-22. Review status: criteria provided, single submitter. Criteria: Invitae Variant Classification Sherloc (09022015). Collection method: clinical testing. Allele origin: germline.
Comment: This sequence change replaces glycine, which is neutral and non-polar, with valine, which is neutral and non-polar, at codon 1426 of the IFT140 protein (p.Gly1426Val). This variant is not present in population databases (gnomAD no frequency). This variant has not been reported in the literature in individuals affected with IFT140-related conditions. Algorithms developed to predict the effect of missense changes on protein structure and function (SIFT, PolyPhen-2, Align-GVGD) all suggest that this variant is likely to be tolerated. Algorithms developed to predict the effect of sequence changes on RNA splicing suggest that this variant may create or strengthen a splice site. In summary, the available evidence is currently insufficient to determine the role of this variant in disease. Therefore, it has been classified as a Variant of Uncertain Significance.